The following is an entry in ClinVar:

ClinVar aggregate classification (germline): Uncertain significance (0 of 4 stars; one submission).

Conditions:
SPRY4-related disorder. Also called: SPRY4-related condition.

gnomAD v4.1: 17 of 1,614,148 alleles (0.0011%); highest among the groups gnomAD compares: Non-Finnish European, 0.0013%; no homozygotes.

Submission:

PreventionGenetics, part of Exact Sciences
Classification: Uncertain significance for SPRY4-related condition. Last evaluated: 2024-08-06. Review status: no assertion criteria provided. Collection method: clinical testing. Allele origin: germline.
Comment: The SPRY4 c.735C>A variant is predicted to result in the amino acid substitution p.His245Gln. To our knowledge, this variant has not been reported in the literature. This variant is reported in 0.0018% of alleles in individuals of European (Non-Finnish) descent in gnomAD. At this time, the clinical significance of this variant is uncertain due to the absence of conclusive functional and genetic evidence.

NM_001127496.3(SPRY4):c.666C>A (p.His222Gln)

Gene: SPRY4 (sprouty RTK signaling antagonist 4; minus strand). Cytogenetic location: 5q31.3.
Variant type: single nucleotide variant.
Coding change: c.666C>A on transcript NM_001127496.3 (MANE Select); coding-DNA position 666, C replaced by A.
Protein change: p.His222Gln; replaces histidine 222 with glutamine.
Molecular consequence: missense variant.
Genome position (GRCh38, 1-based): chr5:142,314,443, G>T on the plus strand (C>A on the coding strand, the complement: SPRY4 is on the minus strand). VCF-style: chr5-142314443-G-T. GRCh37 (hg19) VCF-style: chr5-141694008-G-T.
Other names: c.666C>A, p.His222Gln (NM_001293289.3, NM_001293290.3); c.735C>A, p.His245Gln (NM_030964.5); short protein forms H222Q, H245Q.
Identifiers: ClinVar variation 3349993 (VCV003349993.1).
Genomic context (GRCh38, chr5:142,314,443, plus strand): 5'-GGAGAGAGCACCCATGAAGGACCAGCGGGCGCAGCAGTTGGAGCGGGAGCAGGAGCAGGG[G>T]TGGTCAGCGCAGGAGCCCTCATCGTCCTCATTCGTGCAGTGGTAGAAGATGCCCTGCACC-3'
Protein context (NP_001120968.1, residues 212-232): NEDDEGSCAD[His222Gln]PCSCSRSNCC